The following is an entry in ClinVar:

NM_004260.4(RECQL4):c.2956G>A (p.Glu986Lys)

Gene: RECQL4 (RecQ like helicase 4; minus strand). Cytogenetic location: 8q24.3.
Variant type: single nucleotide variant.
Coding change: c.2956G>A on transcript NM_004260.4 (MANE Select); coding-DNA position 2956, G replaced by A.
Protein change: p.Glu986Lys; replaces glutamic acid 986 with lysine.
Molecular consequence: missense variant.
Genome position (GRCh38, 1-based): chr8:144,512,491, C>T on the plus strand (G>A on the coding strand, the complement: RECQL4 is on the minus strand). VCF-style: chr8-144512491-C-T. GRCh37 (hg19) VCF-style: chr8-145737874-C-T.
Other names: short protein forms E986K.
Identifiers: ClinVar variation 1038003 (VCV001038003.3), dbSNP rs1362276556, ClinGen allele CA372673183.

ClinVar aggregate classification (germline): Uncertain significance (1 of 4 stars; one submission).

Conditions:
Baller-Gerold syndrome (BGS). Also called: CRANIOSYNOSTOSIS WITH RADIAL DEFECTS. Identifiers: Orphanet 1225, MedGen C0265308, MONDO:0009039, OMIM 218600.

Allele frequency attached by ClinVar (database versions not stated): TOPMed 0.00002.
gnomAD v4.1: 4 of 1,612,360 alleles (0.00025%); highest among the groups gnomAD compares: Admixed American, 0.0033%; no homozygotes.

Submission:

Labcorp Genetics (formerly Invitae), Labcorp
Classification: Uncertain significance for Baller-Gerold syndrome. Last evaluated: 2023-08-27. Review status: criteria provided, single submitter. Criteria: Invitae Variant Classification Sherloc (09022015). Collection method: clinical testing. Allele origin: germline.
Comment: This sequence change replaces glutamic acid, which is acidic and polar, with lysine, which is basic and polar, at codon 986 of the RECQL4 protein (p.Glu986Lys). In summary, the available evidence is currently insufficient to determine the role of this variant in disease. Therefore, it has been classified as a Variant of Uncertain Significance. Advanced modeling of protein sequence and biophysical properties (such as structural, functional, and spatial information, amino acid conservation, physicochemical variation, residue mobility, and thermodynamic stability) performed at Invitae indicates that this missense variant is not expected to disrupt RECQL4 protein function. ClinVar contains an entry for this variant (Variation ID: 1038003). This variant has not been reported in the literature in individuals affected with RECQL4-related conditions. This variant is not present in population databases (gnomAD no frequency).